The following is an entry in ClinVar:

NM_170601.5(SIAE):c.985A>C (p.Lys329Gln)

Gene: SIAE (sialic acid acetylesterase; minus strand). Cytogenetic location: 11q24.2.
Variant type: single nucleotide variant.
Coding change: c.985A>C on transcript NM_170601.5 (MANE Select); coding-DNA position 985, A replaced by C.
Protein change: p.Lys329Gln; replaces lysine 329 with glutamine.
Molecular consequence: missense variant.
Genome position (GRCh38, 1-based): chr11:124,639,849, T>G on the plus strand (A>C on the coding strand, the complement: SIAE is on the minus strand). VCF-style: chr11-124639849-T-G. GRCh37 (hg19) VCF-style: chr11-124509745-T-G.
Other names: c.880A>C, p.Lys294Gln (NM_001199922.2); short protein forms K329Q, K294Q.
Identifiers: ClinVar variation 2699109 (VCV002699109.3), dbSNP rs1263934132, ClinGen allele CA383146117.

ClinVar aggregate classification (germline): Uncertain significance (1 of 4 stars; one submission).

Submission:

Labcorp Genetics (formerly Invitae), Labcorp
Classification: Uncertain significance. Last evaluated: 2023-12-15. Review status: criteria provided, single submitter. Criteria: Invitae Variant Classification Sherloc (09022015). Collection method: clinical testing. Allele origin: germline.
Comment: This sequence change replaces lysine, which is basic and polar, with glutamine, which is neutral and polar, at codon 329 of the SIAE protein (p.Lys329Gln). This variant is not present in population databases (gnomAD no frequency). This variant has not been reported in the literature in individuals affected with SIAE-related conditions. An algorithm developed to predict the effect of missense changes on protein structure and function (PolyPhen-2) suggests that this variant is likely to be tolerated. In summary, the available evidence is currently insufficient to determine the role of this variant in disease. Therefore, it has been classified as a Variant of Uncertain Significance.